The following is an entry in ClinVar:

NM_001853.4(COL9A3):c.871C>T (p.Pro291Ser)

Gene: COL9A3 (collagen type IX alpha 3 chain; plus strand). Cytogenetic location: 20q13.33.
Variant type: single nucleotide variant.
Coding change: c.871C>T on transcript NM_001853.4 (MANE Select); coding-DNA position 871, C replaced by T.
Protein change: p.Pro291Ser; replaces proline 291 with serine.
Molecular consequence: missense variant.
Genome position (GRCh38, 1-based): chr20:62,827,947, C>T. VCF-style: chr20-62827947-C-T. GRCh37 (hg19) VCF-style: chr20-61459299-C-T.
Other names: short protein forms P291S.
Identifiers: ClinVar variation 2797196 (VCV002797196.3), dbSNP rs1037746250, ClinGen allele CA409592724.

ClinVar aggregate classification (germline): Uncertain significance (1 of 4 stars; one submission).

Submission:

Labcorp Genetics (formerly Invitae), Labcorp
Classification: Uncertain significance. Last evaluated: 2023-07-14. Review status: criteria provided, single submitter. Criteria: Invitae Variant Classification Sherloc (09022015). Collection method: clinical testing. Allele origin: germline.
Comment: In summary, the available evidence is currently insufficient to determine the role of this variant in disease. Therefore, it has been classified as a Variant of Uncertain Significance. Advanced modeling of protein sequence and biophysical properties (such as structural, functional, and spatial information, amino acid conservation, physicochemical variation, residue mobility, and thermodynamic stability) performed at Invitae indicates that this missense variant is not expected to disrupt COL9A3 protein function. This variant has not been reported in the literature in individuals affected with COL9A3-related conditions. This variant is present in population databases (no rsID available, gnomAD 0.007%). This sequence change replaces proline, which is neutral and non-polar, with serine, which is neutral and polar, at codon 291 of the COL9A3 protein (p.Pro291Ser).